The following is an entry in ClinVar:

ClinVar aggregate classification (germline): Uncertain significance (1 of 4 stars; one submission).

Submission:

Labcorp Genetics (formerly Invitae), Labcorp
Classification: Uncertain significance. Last evaluated: 2021-10-15. Review status: criteria provided, single submitter. Criteria: Invitae Variant Classification Sherloc (09022015). Collection method: clinical testing. Allele origin: germline.
Comment: In summary, the available evidence is currently insufficient to determine the role of this variant in disease. Therefore, it has been classified as a Variant of Uncertain Significance. Algorithms developed to predict the effect of missense changes on protein structure and function are either unavailable or do not agree on the potential impact of this missense change (SIFT: "Tolerated"; PolyPhen-2: "Possibly Damaging"; Align-GVGD: "Class C0"). This variant has not been reported in the literature in individuals affected with LZTR1-related conditions. This variant is not present in population databases (ExAC no frequency). This sequence change replaces leucine with methionine at codon 836 of the LZTR1 protein (p.Leu836Met). The leucine residue is moderately conserved and there is a small physicochemical difference between leucine and methionine.

NM_006767.4(LZTR1):c.2506C>A (p.Leu836Met)

Gene: LZTR1 (leucine zipper like post translational regulator 1; plus strand). Cytogenetic location: 22q11.21.
Variant type: single nucleotide variant.
Coding change: c.2506C>A on transcript NM_006767.4 (MANE Select); coding-DNA position 2506, C replaced by A.
Protein change: p.Leu836Met; replaces leucine 836 with methionine.
Molecular consequence: missense variant.
Genome position (GRCh38, 1-based): chr22:20,997,331, C>A. VCF-style: chr22-20997331-C-A. GRCh37 (hg19) VCF-style: chr22-21351620-C-A.
Other names: short protein forms L836M.
Identifiers: ClinVar variation 1404678 (VCV001404678.6), dbSNP rs2147971090, ClinGen allele CA410781958.